The following is an entry in ClinVar:

NM_022124.6(CDH23):c.4488+7C>T

Gene: CDH23 (cadherin related 23; plus strand). Cytogenetic location: 10q22.1.
Variant type: single nucleotide variant.
Coding change: c.4488+7C>T on transcript NM_022124.6 (MANE Select); 7 bases into the intron after coding-DNA position 4488, C replaced by T.
Molecular consequence: intron variant.
Genome position (GRCh38, 1-based): chr10:71,739,779, C>T. VCF-style: chr10-71739779-C-T. GRCh37 (hg19) VCF-style: chr10-73499536-C-T.
Identifiers: ClinVar variation 162911 (VCV000162911.21), dbSNP rs374215303, ClinGen allele CA175491.

ClinVar aggregate classification (germline): Conflicting classifications of pathogenicity. Review status: criteria provided, conflicting classifications (1 of 4 stars). 5 submissions from 5 submitters: Uncertain significance (1); Benign (1); Likely benign (3). Last evaluated 2026-01-04.

Conditions:
CDH23-related disorder. Also called: CDH23-related condition; CDH23-related disorders.

Allele frequency attached by ClinVar (database versions not stated): gnomAD exomes 0.00006 and 0.00018; ExAC 0.00026; gnomAD 0.00087 and 0.00092; ESP Exome Variant Server 0.00090; TOPMed 0.00098; 1000 Genomes Project 0.00100; 1000 Genomes Project 30x 0.00109.
gnomAD v4.1: 230 of 1,606,196 alleles (0.014%); highest among the groups gnomAD compares: African/African-American, 0.28%; no homozygotes.

Submissions (5):

Labcorp Genetics (formerly Invitae), Labcorp
Classification: Benign. Last evaluated: 2026-01-04. Review status: criteria provided, single submitter. Criteria: Invitae Variant Classification Sherloc (09022015). Collection method: clinical testing. Allele origin: germline.

PreventionGenetics, part of Exact Sciences
Classification: Likely benign for CDH23-related condition. Last evaluated: 2026-01-02. Review status: criteria provided, single submitter. Criteria: ACMG Guidelines, 2015. Collection method: clinical testing. Allele origin: germline.
Comment: This variant is classified as likely benign based on ACMG/AMP sequence variant interpretation guidelines (Richards et al. 2015 PMID: 25741868, with internal and published modifications).

Blueprint Genetics
Classification: Likely benign. Last evaluated: 2024-07-10. Review status: criteria provided, single submitter. Criteria: ACMG Guidelines, 2015. Collection method: clinical testing. Allele origin: germline.

Eurofins Ntd Llc (ga)
Classification: Uncertain significance. Last evaluated: 2018-03-27. Review status: criteria provided, single submitter. Criteria: EGL ClinVar v180209 classification definitions. Collection method: clinical testing. Allele origin: germline. Observed: 1 variant allele, 1 heterozygote.

Laboratory for Molecular Medicine, Mass General Brigham Personalized Medicine
Classification: Likely benign. Last evaluated: 2012-04-30. Review status: criteria provided, single submitter. Criteria: LMM Criteria. Collection method: clinical testing. Allele origin: germline. Observed: 1 variant allele.
Comment: c.4488+7C>T in Intron 36 of CDH23: This variant is not expected to have clinical significance because it is not located within the conserved splice consensus se quence and has been identified in 0.3% (9/3262) of African American chromosomes from a broad population by the NHLBI Exome Sequencing Project.